The following is an entry in ClinVar:

ClinVar aggregate classification (germline): Likely benign (1 of 4 stars; one submission).

Submission:

CeGaT Center for Human Genetics Tuebingen
Classification: Likely benign. Last evaluated: 2024-05-01. Review status: criteria provided, single submitter. Criteria: CeGaT Center For Human Genetics Tuebingen Variant Classification Criteria Version 2. Collection method: clinical testing. Allele origin: germline. Affected: yes. Observed: 1 variant allele.
Comment: PCK2: PM2:Supporting, BP4, BP7

NM_004563.4(PCK2):c.810T>C (p.Ser270=)

Genes: NRL (neural retina leucine zipper; minus strand), PCK2 (phosphoenolpyruvate carboxykinase 2, mitochondrial; plus strand). Cytogenetic location: 14q11.2.
Variant type: single nucleotide variant.
Coding change: c.810T>C on transcript NM_004563.4 (MANE Select); coding-DNA position 810, T replaced by C.
Protein change: p.Ser270=; no amino-acid change (serine 270 retained).
Molecular consequence: synonymous variant. On other transcripts: intron variant (3).
Genome position (GRCh38, 1-based): chr14:24,099,194, T>C. VCF-style: chr14-24099194-T-C. GRCh37 (hg19) VCF-style: chr14-24568403-T-C.
Other names: c.810T>C, p.Ser270= (NM_001018073.3); c.408T>C, p.Ser136= (NM_001291556.2, NM_001308054.2); c.-28+15528A>G (NM_001354768.3, NM_001354770.2); c.-253-14449A>G (NM_006177.5).
Identifiers: ClinVar variation 3239217 (VCV003239217.19), dbSNP rs1242927640.